The following is an entry in ClinVar:

NM_015450.3(POT1):c.870-13C>G

Gene: POT1 (protection of telomeres 1; minus strand). Cytogenetic location: 7q31.33.
Variant type: single nucleotide variant.
Coding change: c.870-13C>G on transcript NM_015450.3 (MANE Select); 13 bases into the intron before coding-DNA position 870, C replaced by G.
Molecular consequence: intron variant.
Genome position (GRCh38, 1-based): chr7:124,851,964, G>C on the plus strand (C>G on the coding strand, the complement: POT1 is on the minus strand). VCF-style: chr7-124851964-G-C. GRCh37 (hg19) VCF-style: chr7-124492018-G-C.
Other names: c.477-13C>G (NM_001042594.2).
Identifiers: ClinVar variation 1588799 (VCV001588799.8), dbSNP rs374223039, ClinGen allele CA4465322.

ClinVar aggregate classification (germline): Conflicting classifications of pathogenicity. Review status: criteria provided, conflicting classifications (1 of 4 stars). 2 submissions from 2 submitters: Uncertain significance (1); Likely benign (1). Last evaluated 2025-11-01.

Conditions:
Tumor predisposition syndrome 3 (TPDS3). Also called: Melanoma, cutaneous malignant, susceptibility to, 10; Glioma susceptibility 9; LONG TELOMERE SYNDROME, POT1-RELATED; POT1 Tumor Predisposition. Identifiers: Orphanet 618, MedGen C4014476, MONDO:0014368, OMIM 615848.

Allele frequency attached by ClinVar (database versions not stated): TOPMed below 0.00001; gnomAD 0.00001; gnomAD exomes 0.00001; ExAC 0.00002; ESP Exome Variant Server 0.00008.
gnomAD v4.1: 3 of 1,553,714 alleles (0.00019%); highest among the groups gnomAD compares: Non-Finnish European, 0.00027%; no homozygotes.

Submissions (2):

Labcorp Genetics (formerly Invitae), Labcorp
Classification: Likely benign for Tumor predisposition syndrome 3. Last evaluated: 2025-11-01. Review status: criteria provided, single submitter. Criteria: Invitae Variant Classification Sherloc (09022015). Collection method: clinical testing. Allele origin: germline.

GeneDx
Classification: Uncertain significance. Last evaluated: 2023-02-21. Review status: criteria provided, single submitter. Criteria: GeneDx Variant Classification Process June 2021. Collection method: clinical testing. Allele origin: germline. Affected: yes.
Comment: Not observed in large population cohorts (gnomAD); In silico analysis supports that this variant does not alter splicing; Has not been previously published as pathogenic or benign to our knowledge